The following is an entry in ClinVar:

ClinVar aggregate classification (germline): Conflicting classifications of pathogenicity. Review status: criteria provided, conflicting classifications (1 of 4 stars). 11 submissions from 11 submitters: Uncertain significance (7); Benign (1); Likely benign (2). 1 of the submissions does not count toward it. Last evaluated 2026-01-04.

Conditions:
STK11-related disorder. Also called: STK11-related condition.
Hereditary cancer-predisposing syndrome. Also called: Neoplastic Syndromes, Hereditary; Tumor predisposition; Hereditary neoplastic syndrome; Hereditary Cancer Syndrome. Identifiers: Orphanet 140162, MedGen C0027672, MeSH D009386, MONDO:0015356.
Peutz-Jeghers syndrome (PJS). Also called: Peutz-Jeghers polyposis; Periorificial lentiginosis syndrome; POLYPOSIS, HAMARTOMATOUS INTESTINAL; POLYPS-AND-SPOTS SYNDROME. Identifiers: Orphanet 2869, MedGen C0031269, MeSH D010580, MONDO:0008280, OMIM 175200.

Allele frequency attached by ClinVar (database versions not stated): ExAC below 0.00001; gnomAD exomes 0.00001; TOPMed 0.00002.
gnomAD v4.1: 14 of 1,547,018 alleles (0.0009%); highest among the groups gnomAD compares: East Asian, 0.015%; no homozygotes.

Submissions (11):

Labcorp Genetics (formerly Invitae), Labcorp
Classification: Benign for Peutz-Jeghers syndrome. Last evaluated: 2026-01-04. Review status: criteria provided, single submitter. Criteria: Invitae Variant Classification Sherloc (09022015). Collection method: clinical testing. Allele origin: germline.

PreventionGenetics, part of Exact Sciences
Classification: Uncertain significance for STK11-related condition. Last evaluated: 2025-12-15. Review status: criteria provided, single submitter. Criteria: ACMG Guidelines, 2015. Collection method: clinical testing. Allele origin: germline.
Comment: The STK11 c.1276C>T variant is predicted to result in the amino acid substitution p.Arg426Trp. This variant was reported in two individuals with adenomatous, hyperplastic polyps (Supp. Table 2, Ngeow et al. 2013. PubMed ID: 23399955) and in an individual with mixed endocrine cancer (Tanabe et al. 2016. PubMed ID: 27852271). This variant has also been reported in control individuals (Momozawa et al. 2018. PubMed ID: 30287823; Okawa et al. 2022. PubMed ID: 36243179). This variant is reported in 0.0093% of alleles in individuals of East Asian descent in gnomAD. This variant has conflicting interpretations in ClinVar ranging from uncertain to likely benign (Variation ID: 184011). At this time, the clinical significance of this variant is uncertain due to the absence of conclusive functional and genetic evidence.

Color Diagnostics, LLC DBA Color Health
Classification: Likely benign for Hereditary cancer-predisposing syndrome. Last evaluated: 2025-07-11. Review status: criteria provided, single submitter. Criteria: ACMG Guidelines, 2015. Collection method: clinical testing. Allele origin: germline.

ARUP Laboratories, Molecular Genetics and Genomics, ARUP Laboratories
Classification: Uncertain significance. Last evaluated: 2025-02-14. Review status: criteria provided, single submitter. Criteria: ARUP Molecular Germline Variant Investigation Process 2024. Collection method: clinical testing. Allele origin: germline.
Comment: The STK11 c.1276C>T; p.Arg426Trp variant (rs587782687, ClinVar Variation ID: 184011) has been reported in the literature in multiple individuals affected with breast cancer (Kasugai 2022, Momozawa 2018), lung cancer (Kim 2010, Koivunen 2008, Onozato 2007), colorectal polyps (Ngeow 2013), and mixed ductal endocrine carcinoma (Tanabe 2016). The variant has also been reported in unaffected controls (Momozawa 2018, Okawa 2023) and shown to occur with variants in other genes in some affected patients (Koivunen 2008, Onozato 2007, Tanabe 2016). This variant is only observed on two alleles in the Genome Aggregation Database (v2.1.1), indicating it is not a common polymorphism. Computational analyses are uncertain whether this variant is neutral or deleterious (REVEL: 0.274). Due to limited information, the clinical significance of this variant is uncertain at this time. References: Kasugai Y et al. Association between germline pathogenic variants and breast cancer risk in Japanese women: The HERPACC study. Cancer Sci. 2022 Apr;113(4):1451-1462. PMID: 35218119. Kim MJ et al. LKB1 mutations are extremely rare in Korean non-small cell lung cancers. Cancer Genet Cytogenet. 2010 Jan 15;196(2):204-6. PMID: 20082862. Koivunen JP. Mutations in the LKB1 tumour suppressor are frequently detected in tumours from Caucasian but not Asian lung cancer patients. Br J Cancer. 2008 Jul 22;99(2):245-52. PMID: 18594528. Momozawa Y et al. Germline pathogenic variants of 11 breast cancer genes in 7,051 Japanese patients and 11,241 controls. Nat Commun. 2018 Oct 4;9(1):4083. PMID: 30287823. Ngeow J et al. Prevalence of germline PTEN, BMPR1A, SMAD4, STK11, and ENG mutations in patients with moderate-load colorectal polyps. Gastroenterology. 2013 Jun;144(7):1402-9, 1409.e1-5. PMID: 23399955. Okawa Y. Hereditary cancer variants and homologous recombination deficiency in biliary tract cancer. J Hepatol. 2023 Feb;78(2):333-342. PMID: 36243179. Onozato R, Kosaka T, Achiwa H, Kuwano H, Takahashi T, Yatabe Y, Mitsudomi T. LKB1 gene mutations in Japanese lung cancer patients. Cancer Sci. 2007 Nov;98(11):1747-51. PMID: 17711506. Tanabe Y et al. Comprehensive screening of target molecules by next-generation sequencing in patients with malignant solid tumors: guiding entry into phase I clinical trials. Mol Cancer. 2016 Nov 16;15(1):73. PMID: 27852271.

Ambry Genetics
Classification: Likely benign for Hereditary cancer-predisposing syndrome. Last evaluated: 2024-09-11. Review status: criteria provided, single submitter. Criteria: Ambry Variant Classification Scheme 2023. Collection method: clinical testing. Allele origin: germline.

All of Us Research Program, National Institutes of Health
Classification: Uncertain significance for Peutz-Jeghers syndrome. Last evaluated: 2024-01-11. Review status: criteria provided, single submitter. Criteria: ACMG Guidelines, 2015. Collection method: clinical testing. Allele origin: germline. Inheritance: Autosomal dominant inheritance. Observed: 4 variant alleles, 4 heterozygotes.
Comment: This missense variant replaces arginine with tryptophan at codon 426 of the STK11 protein. Computational prediction suggests that this variant may not impact protein structure and function (internally defined REVEL score threshold <= 0.5, PMID: 27666373). To our knowledge, functional studies have not been reported for this variant. This variant has been reported in individuals affected with gastrointestinal polyps (PMID: 23399955) and breast cancer (PMID: 30287823, Poster: Lee et al. 2018, ESMO Asia 2018). This variant has also been reported in control individuals (PMID: 30287823). This variant has been identified in 2/145682 chromosomes in the general population by the Genome Aggregation Database (gnomAD). The available evidence is insufficient to determine the role of this variant in disease conclusively. Therefore, this variant is classified as a Variant of Uncertain Significance.

This study involves interpretation of variants in research participants for the purpose of population health screening. Participant phenotype was not available at the time of variant classification. Additional details can be found in publication PMID: 35346344, PMCID: PMC8962531

Myriad Genetics, Inc.
Classification: Uncertain significance for Peutz-Jeghers syndrome. Last evaluated: 2023-04-13. Review status: criteria provided, single submitter. Criteria: Myriad Autosomal Dominant, Autosomal Recessive and X-Linked Classification Criteria (2023). Collection method: clinical testing. Allele origin: unknown.
Comment: This variant is classified as a variant of uncertain significance as there is insufficient evidence to determine its impact on protein function and/or cancer risk.

GeneDx
Classification: Uncertain significance. Last evaluated: 2022-10-25. Review status: criteria provided, single submitter. Criteria: GeneDx Variant Classification Process June 2021. Collection method: clinical testing. Allele origin: germline. Affected: yes.
Comment: In silico analysis supports that this missense variant does not alter protein structure/function; This variant is associated with the following publications: (PMID: 28900777, 27852271, 23399955, 20082862, 30287823)

Genome-Nilou Lab
Classification: Uncertain significance for Peutz-Jeghers syndrome. Last evaluated: 2021-07-15. Review status: criteria provided, single submitter. Criteria: ACMG Guidelines, 2015. Collection method: clinical testing. Allele origin: germline. Affected: no.

Women's Health and Genetics/Laboratory Corporation of America, LabCorp
Classification: Uncertain significance. Last evaluated: 2019-01-14. Review status: criteria provided, single submitter. Criteria: LabCorp Variant Classification Summary - May 2015. Collection method: clinical testing. Allele origin: germline.
Comment: Variant summary: STK11 c.1276C>T (p.Arg426Trp) results in a non-conservative amino acid change in the encoded protein sequence. Four of five in-silico tools predict a damaging effect of the variant on protein function. The variant allele was found at a frequency of 7e-06 in 143356 control chromosomes (gnomAD and publication). The available data on variant occurrences in the general population are insufficient to allow any conclusion about variant significance. c.1276C>T has been reported in the literature in individuals affected with gasterointestinal polyposis, and malignant solid tumors such as lung cancer and mixed ductal endocrine cancer (Kim_2010, Ngeow_2013, Tanabe_2016). These report(s) do not provide unequivocal conclusions about association of the variant with Peutz-Jeghers Syndrome. To our knowledge, no experimental evidence demonstrating an impact on protein function has been reported. Four ClinVar submissions from clinical diagnostic laboratories (evaluation after 2014) cite the variant as uncertain significance. Based on the evidence outlined above, the variant was classified as uncertain significance.

Counsyl
Classification: Uncertain significance for Peutz-Jeghers syndrome. Last evaluated: 2015-12-18. Review status: no assertion criteria provided. Collection method: clinical testing. Allele origin: unknown. Not counted in ClinVar's aggregate classification.

Literature cited by the submitters: PubMed 23399955 (cited by 4 submitters); PubMed 30287823 (cited by All of Us Research Program, National Institutes of Health); PubMed 27852271 (cited by Women's Health and Genetics/Laboratory Corporation of America, LabCorp); PubMed 20082862 (cited by Women's Health and Genetics/Laboratory Corporation of America, LabCorp).

NM_000455.5(STK11):c.1276C>T (p.Arg426Trp)

Gene: STK11 (serine/threonine kinase 11; plus strand). Cytogenetic location: 19p13.3.
Variant type: single nucleotide variant.
Coding change: c.1276C>T on transcript NM_000455.5 (MANE Select); coding-DNA position 1276, C replaced by T.
Protein change: p.Arg426Trp; replaces arginine 426 with tryptophan.
Molecular consequence: missense variant.
Genome position (GRCh38, 1-based): chr19:1,226,621, C>T. VCF-style: chr19-1226621-C-T. GRCh37 (hg19) VCF-style: chr19-1226620-C-T.
Other names: short protein forms R426W.
Identifiers: ClinVar variation 184011 (VCV000184011.30), dbSNP rs587782687, ClinGen allele CA022593.